The following is an entry in ClinVar:

ClinVar aggregate classification (germline): Uncertain significance (1 of 4 stars; one submission).

Conditions:
Cardiovascular phenotype. Identifiers: MedGen CN230736.

Submission:

Ambry Genetics
Classification: Uncertain significance for Cardiovascular phenotype. Last evaluated: 2024-02-26. Review status: criteria provided, single submitter. Criteria: Ambry Variant Classification Scheme 2023. Collection method: clinical testing. Allele origin: germline.
Comment: The p.R28G variant (also known as c.82C>G), located in coding exon 1 of the SOS2 gene, results from a C to G substitution at nucleotide position 82. The arginine at codon 28 is replaced by glycine, an amino acid with dissimilar properties. This amino acid position is conserved. In addition, this alteration is predicted to be deleterious by in silico analysis. Based on the available evidence, the clinical significance of this alteration remains unclear.

NM_006939.4(SOS2):c.82C>G (p.Arg28Gly)

Genes: SOS2 (SOS Ras/Rho guanine nucleotide exchange factor 2; minus strand), LOC130055588 (ATAC-STARR-seq lymphoblastoid silent region 5718; plus strand). Cytogenetic location: 14q21.3.
Variant type: single nucleotide variant.
Coding change: c.82C>G on transcript NM_006939.4 (MANE Select); coding-DNA position 82, C replaced by G.
Protein change: p.Arg28Gly; replaces arginine 28 with glycine.
Molecular consequence: missense variant.
Genome position (GRCh38, 1-based): chr14:50,231,202, G>C on the plus strand (C>G on the coding strand, the complement: SOS2 is on the minus strand). VCF-style: chr14-50231202-G-C. GRCh37 (hg19) VCF-style: chr14-50697920-G-C.
Other names: c.82C>G, p.Arg28Gly (NM_001411020.1); short protein forms R28G.
Identifiers: ClinVar variation 3225974 (VCV003225974.1), dbSNP rs2503346594, ClinGen allele CA389657455.
Genomic context (GRCh38, chr14:50,231,202, plus strand): 5'-TAGAAGCTCGGGGGGCCACGGGCCACCCGCCGGCCGCCCCGCCCCTAGCACTGACCTTCC[G>C]CAGGGCCGAGACCAACAGTCCCCGCCATTTCGGACTGTTCTCCTCGCTGAAGAACTCGTA-3'
Protein context (NP_008870.2, residues 18-38): KWRGLLVSAL[Arg28Gly]KVQEQVHPTL